The following is an entry in ClinVar:

NM_000093.5(COL5A1):c.1989+4G>A

Gene: COL5A1 (collagen type V alpha 1 chain; plus strand). Cytogenetic location: 9q34.3.
Variant type: single nucleotide variant.
Coding change: c.1989+4G>A on transcript NM_000093.5 (MANE Select); 4 bases into the intron after coding-DNA position 1989, G replaced by A.
Molecular consequence: intron variant.
Genome position (GRCh38, 1-based): chr9:134,761,982, G>A. VCF-style: chr9-134761982-G-A. GRCh37 (hg19) VCF-style: chr9-137653828-G-A.
Other names: c.1989+4G>A (NM_001278074.1).
Identifiers: ClinVar variation 1345848 (VCV001345848.6), dbSNP rs1307138217, ClinGen allele CA860888883.

ClinVar aggregate classification (germline): Uncertain significance (1 of 4 stars; one submission).

Conditions:
Ehlers-Danlos syndrome, classic type, 1 (EDSCL1). Also called: EHLERS-DANLOS SYNDROME, GRAVIS TYPE; EHLERS-DANLOS SYNDROME, SEVERE CLASSIC TYPE; Ehlers-Danlos syndrome, type 1; EDS I; Ehlers-Danlos Syndrome, Classic Type, COL5A1-Related. Identifiers: MedGen C0268335, MONDO:0019567, OMIM 130000.

Allele frequency attached by ClinVar (database versions not stated): TOPMed 0.00001; gnomAD exomes below 0.00001; gnomAD 0.00001.
gnomAD v4.1: 2 of 1,613,304 alleles (0.00012%); highest among the groups gnomAD compares: Admixed American, 0.0017%; no homozygotes.

Submission:

Labcorp Genetics (formerly Invitae), Labcorp
Classification: Uncertain significance for Ehlers-Danlos syndrome, classic type, 1. Last evaluated: 2025-03-18. Review status: criteria provided, single submitter. Criteria: Invitae Variant Classification Sherloc (09022015). Collection method: clinical testing. Allele origin: germline.
Comment: This sequence change falls in intron 19 of the COL5A1 gene. It does not directly change the encoded amino acid sequence of the COL5A1 protein. It affects a nucleotide within the consensus splice site. This variant is not present in population databases (gnomAD no frequency). This variant has not been reported in the literature in individuals affected with COL5A1-related conditions. ClinVar contains an entry for this variant (Variation ID: 1345848). Variants that disrupt the consensus splice site are a relatively common cause of aberrant splicing (PMID: 17576681, 9536098). Algorithms developed to predict the effect of sequence changes on RNA splicing suggest that this variant is not likely to affect RNA splicing. In summary, the available evidence is currently insufficient to determine the role of this variant in disease. Therefore, it has been classified as a Variant of Uncertain Significance.

Literature cited by the submitters: PubMed 17576681; PubMed 9536098.